The following is an entry in ClinVar:

ClinVar aggregate classification (germline): Likely pathogenic (1 of 4 stars; one submission).

Conditions:
Bardet-Biedl syndrome 2 (BBS2). Identifiers: Orphanet 110, MedGen C2936863, MONDO:0014432, OMIM 615981.

Submission:

Variantyx, Inc.
Classification: Likely pathogenic for Bardet-Biedl syndrome 2. Last evaluated: 2025-07-02. Review status: criteria provided, single submitter. Criteria: Variantyx Assertion Criteria 2022. Collection method: clinical testing. Allele origin: germline. Inheritance: Autosomal recessive inheritance. Affected: no.
Comment: This is a frameshift variant in the BBS2 gene (OMIM: 606151). Pathogenic variants in this gene have been associated with autosomal recessive Bardet-Biedl syndrome 2. This variant introduces a premature termination codon in exon 2 out of 17 and is expected to result in loss of function, which is a known disease mechanism for BBS2 in this disorder (PVS1) (PMID: 8298649). This variant is absent from control populations (PM2). and it has not been reported in individuals with BBS2-related disorders in the databases available for review. Based on the current evidence, this variant is classified as likely pathogenic for autosomal recessive Bardet-Biedl syndrome 2.

Literature cited by the submitters: PubMed 8298649.

NM_031885.5(BBS2):c.278del (p.Leu92_Leu93insTer)

Gene: BBS2 (Bardet-Biedl syndrome 2; minus strand). Cytogenetic location: 16q13.
Variant type: Deletion.
Coding change: c.278del on transcript NM_031885.5 (MANE Select); coding-DNA position 278, one base deleted (T; older notation c.278delT).
Protein change: p.Leu92_Leu93insTer.
Molecular consequence: nonsense. On other transcripts: non-coding transcript variant (5).
Genome position (GRCh38, 1-based): chr16:56,514,520, A deleted on the plus strand (T on the coding strand, the reverse complement: BBS2 is on the minus strand); the first of 4 consecutive A bases (chr16:56,514,520-56,514,523); deleting any one gives the same sequence. VCF-style (leftmost placement, unchanged base first): chr16-56514519-TA-T. GRCh37 (hg19) VCF-style: chr16-56548431-TA-T.
Other names: c.278del, p.Leu92_Leu93insTer (NM_001377456.1).
Identifiers: ClinVar variation 4850046 (VCV004850046.1).